The following is an entry in ClinVar:

ClinVar aggregate classification (germline): Benign. Review status: criteria provided, single submitter (1 of 4 stars). 2 submissions from 2 submitters: Benign (1). 1 of the submissions does not count toward it. Last evaluated 2018-08-14.

Conditions:
TMEM175-related disorder. Also called: TMEM175-related condition.

Allele frequency attached by ClinVar (database versions not stated): gnomAD exomes 0.00016; ExAC 0.00024; 1000 Genomes Project 30x 0.00031; 1000 Genomes Project 0.00040; ESP Exome Variant Server 0.00069; gnomAD 0.00090 and 0.00096; TOPMed 0.00099.
gnomAD v4.1: 286 of 1,611,270 alleles (0.018%); highest among the groups gnomAD compares: African/African-American, 0.33%; 2 homozygotes.

Submissions (2):

Labcorp Genetics (formerly Invitae), Labcorp
Classification: Benign. Last evaluated: 2018-08-14. Review status: criteria provided, single submitter. Criteria: Invitae Variant Classification Sherloc (09022015). Collection method: clinical testing. Allele origin: germline.

PreventionGenetics, part of Exact Sciences
Classification: Likely benign for TMEM175-related condition. Last evaluated: 2023-02-27. Review status: no assertion criteria provided. Collection method: clinical testing. Allele origin: germline. Not counted in ClinVar's aggregate classification.
Comment: This variant is classified as likely benign based on ACMG/AMP sequence variant interpretation guidelines (Richards et al. 2015 PMID: 25741868, with internal and published modifications).

NM_032326.4(TMEM175):c.864C>T (p.Pro288=)

Gene: TMEM175 (transmembrane protein 175; plus strand). Cytogenetic location: 4p16.3.
Variant type: single nucleotide variant.
Coding change: c.864C>T on transcript NM_032326.4 (MANE Select); coding-DNA position 864, C replaced by T.
Protein change: p.Pro288=; no amino-acid change (proline 288 retained).
Molecular consequence: synonymous variant.
Genome position (GRCh38, 1-based): chr4:957,845, C>T. VCF-style: chr4-957845-C-T. GRCh37 (hg19) VCF-style: chr4-951633-C-T.
Other names: c.618C>T, p.Pro206= (NM_001297423.2, NM_001297424.2, NM_001297425.2); c.516C>T, p.Pro172= (NM_001297426.2, NM_001297427.2, NM_001297428.2).
Identifiers: ClinVar variation 732588 (VCV000732588.5), dbSNP rs61732682, ClinGen allele CA2799502.